The following is an entry in ClinVar:

ClinVar aggregate classification (germline): Uncertain significance. Review status: criteria provided, multiple submitters, no conflicts (2 of 4 stars). 3 submissions from 3 submitters: Uncertain significance (3). Last evaluated 2025-07-08.

Conditions:
Cardiovascular phenotype. Identifiers: MedGen CN230736.
Long QT syndrome (LQTS). Identifiers: MedGen C0023976, MeSH D008133, MONDO:0002442. Disease mechanism: loss of function. Inheritance: Various modes of inheritance.

Allele frequency attached by ClinVar (database versions not stated): TOPMed below 0.00001; gnomAD 0.00001 and 0.00002; gnomAD exomes 0.00001; ExAC 0.00002; 1000 Genomes Project 30x 0.00016; 1000 Genomes Project 0.00020.
gnomAD v4.1: 5 of 1,614,142 alleles (0.00031%); highest among the groups gnomAD compares: Admixed American, 0.0017%; no homozygotes.

Submissions (3):

Labcorp Genetics (formerly Invitae), Labcorp
Classification: Uncertain significance for Long QT syndrome. Last evaluated: 2025-07-08. Review status: criteria provided, single submitter. Criteria: Invitae Variant Classification Sherloc (09022015). Collection method: clinical testing. Allele origin: germline.
Comment: This sequence change replaces serine, which is neutral and polar, with glycine, which is neutral and non-polar, at codon 2201 of the ANK2 protein (p.Ser2201Gly). This variant is present in population databases (rs201717651, gnomAD 0.003%). This variant has not been reported in the literature in individuals affected with ANK2-related conditions. ClinVar contains an entry for this variant (Variation ID: 632633). An algorithm developed to predict the effect of missense changes on protein structure and function (PolyPhen-2) suggests that this variant is likely to be disruptive. In summary, the available evidence is currently insufficient to determine the role of this variant in disease. Therefore, it has been classified as a Variant of Uncertain Significance.

Ambry Genetics
Classification: Uncertain significance for Cardiovascular phenotype. Last evaluated: 2024-02-16. Review status: criteria provided, single submitter. Criteria: Ambry Variant Classification Scheme 2023. Collection method: clinical testing. Allele origin: germline.
Comment: The p.S2201G variant (also known as c.6601A>G), located in coding exon 38 of the ANK2 gene, results from an A to G substitution at nucleotide position 6601. The serine at codon 2201 is replaced by glycine, an amino acid with similar properties. This amino acid position is conserved. In addition, the in silico prediction for this alteration is inconclusive. Based on the available evidence, the clinical significance of this alteration remains unclear.

Women's Health and Genetics/Laboratory Corporation of America, LabCorp
Classification: Uncertain significance. Last evaluated: 2018-11-05. Review status: criteria provided, single submitter. Criteria: LabCorp Variant Classification Summary - May 2015. Collection method: clinical testing. Allele origin: germline.
Comment: Variant summary: ANK2 c.6601A>G (p.Ser2201Gly) results in a non-conservative amino acid change in the encoded protein sequence. Four of five in-silico tools predict a damaging effect of the variant on protein function. The variant allele was found at a frequency of 8.1e-06 in 245424 control chromosomes (gnomAD). The available data on variant occurrences in the general population are insufficient to allow any conclusion about variant significance. To our knowledge, no occurrence of c.6601A>G in individuals affected with Arrhythmia and no experimental evidence demonstrating its impact on protein function have been reported. No clinical diagnostic laboratories have submitted clinical-significance assessments for this variant to ClinVar after 2014. Based on the evidence outlined above, the variant was classified as uncertain significance.

NM_001148.6(ANK2):c.6601A>G (p.Ser2201Gly)

Gene: ANK2 (ankyrin 2; plus strand). Cytogenetic location: 4q26.
Variant type: single nucleotide variant.
Coding change: c.6601A>G on transcript NM_001148.6 (MANE Select); coding-DNA position 6601, A replaced by G.
Protein change: p.Ser2201Gly; replaces serine 2201 with glycine.
Molecular consequence: missense variant. On other transcripts: intron variant (68).
Genome position (GRCh38, 1-based): chr4:113,355,219, A>G. VCF-style: chr4-113355219-A-G. GRCh37 (hg19) VCF-style: chr4-114276375-A-G.
Other names: c.6367A>G, p.Ser2123Gly (NM_001386142.1); c.3001A>G, p.Ser1001Gly (NM_001386166.1); c.6742A>G, p.Ser2248Gly (NM_001386174.1); c.6718A>G, p.Ser2240Gly (NM_001386175.1); c.4411+4970A>G (NM_001386186.2, NM_001386148.2); c.4213+4970A>G (NM_001354269.3); c.4291+4970A>G (NM_001386187.2); c.4252+4970A>G (NM_001386147.1); and 35 more; short protein forms S2201G, S1001G, S2123G, S2240G, S2248G.
Identifiers: ClinVar variation 632633 (VCV000632633.3), dbSNP rs201717651, ClinGen allele CA3051437.